The following is an entry in ClinVar:

ClinVar aggregate classification (germline): Uncertain significance (1 of 4 stars; one submission).

Conditions:
Hereditary nonpolyposis colorectal neoplasms. Identifiers: MedGen C0009405, MeSH D003123.

Submission:

Labcorp Genetics (formerly Invitae), Labcorp
Classification: Uncertain significance for Hereditary nonpolyposis colorectal neoplasms. Last evaluated: 2023-07-28. Review status: criteria provided, single submitter. Criteria: Invitae Variant Classification Sherloc (09022015). Collection method: clinical testing. Allele origin: germline.
Comment: In summary, the available evidence is currently insufficient to determine the role of this variant in disease. Therefore, it has been classified as a Variant of Uncertain Significance. This sequence change replaces cysteine, which is neutral and slightly polar, with arginine, which is basic and polar, at codon 551 of the PMS2 protein (p.Cys551Arg). This variant is not present in population databases (gnomAD no frequency). This variant has not been reported in the literature in individuals affected with PMS2-related conditions. Advanced modeling of protein sequence and biophysical properties (such as structural, functional, and spatial information, amino acid conservation, physicochemical variation, residue mobility, and thermodynamic stability) performed at Invitae indicates that this missense variant is not expected to disrupt PMS2 protein function.

NM_000535.7(PMS2):c.1651T>C (p.Cys551Arg)

Gene: PMS2 (PMS1 homolog 2, mismatch repair system component; minus strand). Cytogenetic location: 7p22.1.
Variant type: single nucleotide variant.
Coding change: c.1651T>C on transcript NM_000535.7 (MANE Select); coding-DNA position 1651, T replaced by C.
Protein change: p.Cys551Arg; replaces cysteine 551 with arginine.
Molecular consequence: missense variant. On other transcripts: non-coding transcript variant (1), intron variant (1).
Genome position (GRCh38, 1-based): chr7:5,987,114, A>G on the plus strand (T>C on the coding strand, the complement: PMS2 is on the minus strand). VCF-style: chr7-5987114-A-G. GRCh37 (hg19) VCF-style: chr7-6026745-A-G.
Other names: c.1246T>C, p.Cys416Arg (NM_001018040.1, NM_001322003.2, NM_001322004.2 and 17 more transcripts); c.1495T>C, p.Cys499Arg (NM_001322006.2, NM_001406870.1); c.1333T>C, p.Cys445Arg (NM_001322007.2, NM_001322008.2, NM_001406876.1 and 2 more transcripts); c.1651T>C, p.Cys551Arg (NM_001406871.1, NM_001406872.1, NM_001322014.2); c.1453T>C, p.Cys485Arg (NM_001406873.1); c.1483T>C, p.Cys495Arg (NM_001406874.1); c.1342T>C, p.Cys448Arg (NM_001406875.1, NM_001406877.1, NM_001406878.1 and 5 more transcripts); c.1078T>C, p.Cys360Arg (NM_001406909.1, NM_001322013.2); and 13 more; short protein forms C240R, C443R, C485R, C499R, C294R, C364R, C416R, C429R.
Identifiers: ClinVar variation 2747526 (VCV002747526.3), dbSNP rs2128726025, ClinGen allele CA366741376.
Genomic context (GRCh38, chr7:5,987,114, plus strand): 5'-GATTAGTTGGCTGAGGCAAAACTCGAAATTTACATCCGGTATCTTCCTGGTTTGAATGGC[A>G]GTCCACATCTGAAAAAGAGTCGTCAGTTTTAGGCGCTTTCTCCTGAGAGTCCACATGTTC-3'
Protein context (NP_000526.2, residues 541-561): KTDDSFSDVD[Cys551Arg]HSNQEDTGCK